The following is an entry in ClinVar:

ClinVar aggregate classification (germline): Uncertain significance (1 of 4 stars; one submission).

Conditions:
Spastic ataxia 2. Also called: Ataxia, spastic, 2, autosomal recessive. Identifiers: Orphanet 397946, MedGen C1969796, MONDO:0012651, OMIM 611302.

Allele frequency attached by ClinVar (database versions not stated): gnomAD exomes below 0.00001; ExAC 0.00001; gnomAD 0.00001; TOPMed 0.00004.
gnomAD v4.1: 3 of 1,613,670 alleles (0.00019%); highest among the groups gnomAD compares: African/African-American, 0.004%; no homozygotes.

Submission:

Labcorp Genetics (formerly Invitae), Labcorp
Classification: Uncertain significance for Spastic ataxia 2. Last evaluated: 2021-08-27. Review status: criteria provided, single submitter. Criteria: Invitae Variant Classification Sherloc (09022015). Collection method: clinical testing. Allele origin: germline.
Comment: This sequence change replaces glutamic acid with lysine at codon 901 of the KIF1C protein (p.Glu901Lys). The glutamic acid residue is highly conserved and there is a small physicochemical difference between glutamic acid and lysine. This variant is present in population databases (rs751072487, ExAC 0.01%). This variant has not been reported in the literature in individuals affected with KIF1C-related conditions. Algorithms developed to predict the effect of missense changes on protein structure and function are either unavailable or do not agree on the potential impact of this missense change (SIFT: "Deleterious"; PolyPhen-2: "Benign"; Align-GVGD: "Class C0"). In summary, the available evidence is currently insufficient to determine the role of this variant in disease. Therefore, it has been classified as a Variant of Uncertain Significance.

NM_006612.6(KIF1C):c.2701G>A (p.Glu901Lys)

Gene: KIF1C (kinesin family member 1C; plus strand). Cytogenetic location: 17p13.2.
Variant type: single nucleotide variant.
Coding change: c.2701G>A on transcript NM_006612.6 (MANE Select); coding-DNA position 2701, G replaced by A.
Protein change: p.Glu901Lys; replaces glutamic acid 901 with lysine.
Molecular consequence: missense variant.
Genome position (GRCh38, 1-based): chr17:5,023,540, G>A. VCF-style: chr17-5023540-G-A. GRCh37 (hg19) VCF-style: chr17-4926835-G-A.
Other names: short protein forms E901K.
Identifiers: ClinVar variation 571325 (VCV000571325.6), dbSNP rs751072487, ClinGen allele CA8319367.
Genomic context (GRCh38, chr17:5,023,540, plus strand): 5'-GAGAATGAAGAAGGTGGTGAGGTCCCCTGGGCCCCGCCTGAAGGATCAGAGGCAGCAGAG[G>A]AGGCAGCCCCCAGTGACCGCATGCCGTCAGCCCGGCCCCCCTCGCCACCACTGTCAAGCT-3'
Protein context (NP_006603.2, residues 891-911): APPEGSEAAE[Glu901Lys]AAPSDRMPSA